The following is an entry in ClinVar:

ClinVar aggregate classification (germline): Conflicting classifications of pathogenicity. Review status: criteria provided, conflicting classifications (1 of 4 stars). 2 submissions from 2 submitters: Likely pathogenic (1); Uncertain significance (1). Last evaluated 2025-07-24.

Conditions:
Inborn genetic diseases. Identifiers: MedGen C0950123, MeSH D030342.

Submissions (2):

Ambry Genetics
Classification: Likely pathogenic for Inborn genetic diseases. Last evaluated: 2025-07-24. Review status: criteria provided, single submitter. Criteria: Ambry Variant Classification Scheme 2023. Collection method: clinical testing. Allele origin: germline.
Comment: The p.M1? variant (also known as c.3G>A) is located in coding exon 1 of the MBD4 gene and results from a G to A substitution at nucleotide position 3. This alters the methionine residue at the initiation codon (ATG). This variant is considered to be rare based on population cohorts in the Genome Aggregation Database (gnomAD). Sequence variations that modify the initiation codon are expected to result in either loss of translation initiation, N-terminal truncation, or cause a shift in the mRNA reading frame. Based on the majority of available evidence to date, this variant is likely to be pathogenic.

Labcorp Genetics (formerly Invitae), Labcorp
Classification: Uncertain significance. Last evaluated: 2025-03-03. Review status: criteria provided, single submitter. Criteria: Invitae Variant Classification Sherloc (09022015). Collection method: clinical testing. Allele origin: germline.
Comment: This sequence change affects the initiator methionine of the MBD4 mRNA. The next in-frame methionine is located at codon 41. This variant is not present in population databases (gnomAD no frequency). This variant has not been reported in the literature in individuals affected with MBD4-related conditions. Experimental studies and prediction algorithms are not available or were not evaluated, and the functional significance of this variant is currently unknown. In summary, the available evidence is currently insufficient to determine the role of this variant in disease. Therefore, it has been classified as a Variant of Uncertain Significance.

NM_001276270.2(MBD4):c.3G>A (p.Met1Ile)

Genes: MBD4 (methyl-CpG binding domain 4, DNA glycosylase; minus strand), LOC129937550 (ATAC-STARR-seq lymphoblastoid active region 20512; plus strand). Cytogenetic location: 3q21.3.
Variant type: single nucleotide variant.
Coding change: c.3G>A on transcript NM_001276270.2 (MANE Select); coding-DNA position 3, G replaced by A.
Protein change: p.Met1Ile; changes the start codon (methionine 1).
Molecular consequence: missense variant, initiator codon variant.
Genome position (GRCh38, 1-based): chr3:129,439,831, C>T on the plus strand (G>A on the coding strand, the complement: MBD4 is on the minus strand). VCF-style: chr3-129439831-C-T. GRCh37 (hg19) VCF-style: chr3-129158674-C-T.
Other names: c.3G>A, p.Met1Ile (NM_001276271.2, NM_001276272.2, NM_001276273.2 and 1 more transcripts); short protein forms M1I.
Identifiers: ClinVar variation 3682150 (VCV003682150.3).